The following is an entry in ClinVar:

NM_000202.8(IDS):c.611A>G (p.Gln204Arg)

Genes: IDS (iduronate 2-sulfatase; minus strand), LOC106050102 (IDS recombination region; plus strand). Cytogenetic location: Xq28.
Variant type: single nucleotide variant.
Coding change: c.611A>G on transcript NM_000202.8 (MANE Select); coding-DNA position 611, A replaced by G.
Protein change: p.Gln204Arg; replaces glutamine 204 with arginine.
Molecular consequence: missense variant. On other transcripts: non-coding transcript variant (1).
Genome position (GRCh38, 1-based): chrX:149,498,204, T>C on the plus strand (A>G on the coding strand, the complement: IDS is on the minus strand). VCF-style: chrX-149498204-T-C. GRCh37 (hg19) VCF-style: chrX-148579735-T-C.
Other names: c.341A>G, p.Gln114Arg (NM_001166550.4); c.611A>G, p.Gln204Arg (NM_006123.5); short protein forms Q114R, Q204R.
Identifiers: ClinVar variation 4711606 (VCV004711606.1).

ClinVar aggregate classification (germline): Uncertain significance (1 of 4 stars; one submission).

Conditions:
Mucopolysaccharidosis, MPS-II (MPS2). Also called: Attenuated MPS (subtype; formerly known as mild MPS II); Severe MPS II; I2S deficiency; MPS 2; Hunter Syndrome; IDURONATE 2-SULFATASE DEFICIENCY. Identifiers: Orphanet 580, Orphanet 79388, MedGen C0026705, MONDO:0010674, OMIM 309900.

gnomAD v4.1: 1 of 1,211,552 alleles (0.000083%); highest among the groups gnomAD compares: Non-Finnish European, 0.00011%; no homozygotes.

Submission:

Labcorp Genetics (formerly Invitae), Labcorp
Classification: Uncertain significance for Mucopolysaccharidosis, MPS-II. Last evaluated: 2025-09-27. Review status: criteria provided, single submitter. Criteria: Invitae Variant Classification Sherloc (09022015). Collection method: clinical testing. Allele origin: germline.
Comment: This sequence change replaces glutamine, which is neutral and polar, with arginine, which is basic and polar, at codon 204 of the IDS protein (p.Gln204Arg). This variant is not present in population databases (gnomAD no frequency). This variant has not been reported in the literature in individuals affected with IDS-related conditions. Invitae Evidence Modeling of protein sequence and biophysical properties (such as structural, functional, and spatial information, amino acid conservation, physicochemical variation, residue mobility, and thermodynamic stability) indicates that this missense variant is not expected to disrupt IDS protein function with a negative predictive value of 80%. In summary, the available evidence is currently insufficient to determine the role of this variant in disease. Therefore, it has been classified as a Variant of Uncertain Significance.